The following is an entry in ClinVar:

ClinVar aggregate classification (germline): Likely benign (1 of 4 stars; one submission).

Allele frequency attached by ClinVar (database versions not stated): TOPMed 0.00059; gnomAD 0.00066; gnomAD exomes 0.00098.
gnomAD v4.1: 332 of 398,846 alleles (0.083%); highest among the groups gnomAD compares: Non-Finnish European, 0.13%; no homozygotes.

Submission:

CeGaT Center for Human Genetics Tuebingen
Classification: Likely benign. Last evaluated: 2026-07-01. Review status: criteria provided, single submitter. Criteria: CeGaT Center For Human Genetics Tuebingen Variant Classification Criteria Version 2. Collection method: clinical testing. Allele origin: germline. Affected: yes. Observed: 7 variant alleles.
Comment: KCNQ1OT1: BS2

NM_000218.3(KCNQ1):c.1514+27917G>T

Genes: KCNQ1 (potassium voltage-gated channel subfamily Q member 1; plus strand), KCNQ1OT1 (KCNQ1 opposite strand/antisense transcript 1; minus strand). Cytogenetic location: 11p15.5.
Variant type: single nucleotide variant.
Coding change: c.1514+27917G>T on transcript NM_000218.3 (MANE Select); 27917 bases into the intron after coding-DNA position 1514, G replaced by T.
Molecular consequence: intron variant.
Genome position (GRCh38, 1-based): chr11:2,689,998, G>T. VCF-style: chr11-2689998-G-T. GRCh37 (hg19) VCF-style: chr11-2711228-G-T.
Other names: c.1244+27917G>T (NM_001406837.1); c.1418+27917G>T (NM_001406836.1); c.974+27917G>T (NM_001406838.1); c.1133+27917G>T (NM_181798.2).
Identifiers: ClinVar variation 1711313 (VCV001711313.30), dbSNP rs533861774, ClinGen allele CA216191711.